The following is an entry in ClinVar:

NM_000161.3(GCH1):c.158G>A (p.Trp53Ter)

Gene: GCH1 (GTP cyclohydrolase 1; minus strand). Cytogenetic location: 14q22.2.
Variant type: single nucleotide variant.
Coding change: c.158G>A on transcript NM_000161.3 (MANE Select); coding-DNA position 158, G replaced by A.
Protein change: p.Trp53Ter; replaces tryptophan 53 with a stop codon.
Molecular consequence: nonsense.
Genome position (GRCh38, 1-based): chr14:54,902,506, C>T on the plus strand (G>A on the coding strand, the complement: GCH1 is on the minus strand). VCF-style: chr14-54902506-C-T. GRCh37 (hg19) VCF-style: chr14-55369224-C-T.
Other names: c.158G>A, p.Trp53Ter (NM_001024024.2, NM_001024070.2, NM_001024071.2); short protein forms W53*.
Identifiers: ClinVar variation 1070688 (VCV001070688.9), dbSNP rs2140127425, ClinGen allele CA389794128.

ClinVar aggregate classification (germline): Pathogenic (1 of 4 stars; one submission).

Conditions:
Dystonia 5 (DRD). Also called: Dystonia, DOPA-responsive, with or without hyperphenylalaninemia; DYT-GCH1; GTP Cyclohydrolase 1-Deficient Dopa-Responsive Dystonia; DYSTONIA, PROGRESSIVE, WITH DIURNAL VARIATION; DYSTONIA-PARKINSONISM WITH DIURNAL FLUCTUATION. Identifiers: Orphanet 98808, MedGen C1851920, MONDO:0007495, OMIM 128230.
GTP cyclohydrolase I deficiency. Identifiers: MedGen C0268467, MONDO:0100184.

Submission:

Labcorp Genetics (formerly Invitae), Labcorp
Classification: Pathogenic for GTP cyclohydrolase I deficiency; Dystonia 5. Last evaluated: 2020-08-20. Review status: criteria provided, single submitter. Criteria: Invitae Variant Classification Sherloc (09022015). Collection method: clinical testing. Allele origin: germline.
Comment: Loss-of-function variants in GCH1 are known to be pathogenic (PMID: 19491146). This sequence change creates a premature translational stop signal (p.Trp53*) in the GCH1 gene. It is expected to result in an absent or disrupted protein product. This variant is not present in population databases (ExAC no frequency). This variant has been observed in individual(s) with autosomal dominant dopa-responsive dystonia (PMID: 16289769, 24255805) For these reasons, this variant has been classified as Pathogenic.

Literature cited by the submitters: PubMed 19491146; PubMed 16289769; PubMed 24255805.